The following is an entry in ClinVar:

NM_006218.4(PIK3CA):c.470A>G (p.Asn157Ser)

Gene: PIK3CA (phosphatidylinositol-4,5-bisphosphate 3-kinase catalytic subunit alpha; plus strand). Cytogenetic location: 3q26.32.
Variant type: single nucleotide variant.
Coding change: c.470A>G on transcript NM_006218.4 (MANE Select); coding-DNA position 470, A replaced by G.
Protein change: p.Asn157Ser; replaces asparagine 157 with serine.
Molecular consequence: missense variant.
Genome position (GRCh38, 1-based): chr3:179,199,807, A>G. VCF-style: chr3-179199807-A-G. GRCh37 (hg19) VCF-style: chr3-178917595-A-G.
Other names: c.470A>G (LRG_310t1); short protein forms N157S.
Identifiers: ClinVar variation 580643 (VCV000580643.7), dbSNP rs200001957, ClinGen allele CA88557118.
Genomic context (GRCh38, chr3:179,199,807, plus strand): 5'-AGGACTTCCGAAGAAATATTCTGAACGTTTGTAAAGAAGCTGTGGATCTTAGGGACCTCA[A>G]TTCACCTCATAGTAGAGCAATGTATGTCTATCCTCCAAATGTAGAATCTTCACCAGAATT-3'
Protein context (NP_006209.2, residues 147-167): CKEAVDLRDL[Asn157Ser]SPHSRAMYVY

ClinVar aggregate classification (germline): Uncertain significance (1 of 4 stars; one submission).

Conditions:
Cowden syndrome (CS). Also called: Cowden's disease; Cowden's syndrome; Cowden disease. Identifiers: Orphanet 201, MedGen C0018553, MONDO:0016063. Disease mechanism: gain of function.

Allele frequency attached by ClinVar (database versions not stated): gnomAD exomes 0.00001 and 0.00002; gnomAD 0.00002; TOPMed 0.00003.
gnomAD v4.1: 29 of 1,612,774 alleles (0.0018%); highest among the groups gnomAD compares: East Asian, 0.0045%; no homozygotes.

Submission:

Labcorp Genetics (formerly Invitae), Labcorp
Classification: Uncertain significance for Cowden syndrome. Last evaluated: 2025-04-21. Review status: criteria provided, single submitter. Criteria: Invitae Variant Classification Sherloc (09022015). Collection method: clinical testing. Allele origin: germline.
Comment: This sequence change replaces asparagine, which is neutral and polar, with serine, which is neutral and polar, at codon 157 of the PIK3CA protein (p.Asn157Ser). This variant is present in population databases (rs200001957, gnomAD 0.006%). This variant has not been reported in the literature in individuals affected with PIK3CA-related conditions. ClinVar contains an entry for this variant (Variation ID: 580643). Invitae Evidence Modeling of protein sequence and biophysical properties (such as structural, functional, and spatial information, amino acid conservation, physicochemical variation, residue mobility, and thermodynamic stability) has been performed for this missense variant. However, the output from this modeling did not meet the statistical confidence thresholds required to predict the impact of this variant on PIK3CA protein function. In summary, the available evidence is currently insufficient to determine the role of this variant in disease. Therefore, it has been classified as a Variant of Uncertain Significance.